The following is an entry in ClinVar:

ClinVar aggregate classification (germline): Uncertain significance (1 of 4 stars; one submission).

Conditions:
LAMA2-related muscular dystrophy (LAMA2-RD). Also called: Laminin alpha 2-related dystrophy. Identifiers: MedGen C5679788, MONDO:0100228.

Allele frequency attached by ClinVar (database versions not stated): gnomAD exomes below 0.00001.

Submission:

Labcorp Genetics (formerly Invitae), Labcorp
Classification: Uncertain significance for LAMA2-related muscular dystrophy. Last evaluated: 2022-07-06. Review status: criteria provided, single submitter. Criteria: Invitae Variant Classification Sherloc (09022015). Collection method: clinical testing. Allele origin: germline.
Comment: This sequence change replaces leucine, which is neutral and non-polar, with proline, which is neutral and non-polar, at codon 1340 of the LAMA2 protein (p.Leu1340Pro). This variant is not present in population databases (gnomAD no frequency). This variant has not been reported in the literature in individuals affected with LAMA2-related conditions. Advanced modeling of protein sequence and biophysical properties (such as structural, functional, and spatial information, amino acid conservation, physicochemical variation, residue mobility, and thermodynamic stability) performed at Invitae indicates that this missense variant is not expected to disrupt LAMA2 protein function. In summary, the available evidence is currently insufficient to determine the role of this variant in disease. Therefore, it has been classified as a Variant of Uncertain Significance.

NM_000426.4(LAMA2):c.4019T>C (p.Leu1340Pro)

Gene: LAMA2 (laminin subunit alpha 2; plus strand). Cytogenetic location: 6q22.33.
Variant type: single nucleotide variant.
Coding change: c.4019T>C on transcript NM_000426.4 (MANE Select); coding-DNA position 4019, T replaced by C.
Protein change: p.Leu1340Pro; replaces leucine 1340 with proline.
Molecular consequence: missense variant.
Genome position (GRCh38, 1-based): chr6:129,316,132, T>C. VCF-style: chr6-129316132-T-C. GRCh37 (hg19) VCF-style: chr6-129637277-T-C.
Other names: c.4019T>C, p.Leu1340Pro (NM_001079823.2); short protein forms L1340P.
Identifiers: ClinVar variation 2152896 (VCV002152896.1), dbSNP rs2482418974, ClinGen allele CA365613795.